The following is an entry in ClinVar:

NM_001101362.3(KBTBD13):c.1297C>T (p.Pro433Ser)

Gene: KBTBD13 (kelch repeat and BTB domain containing 13; plus strand). Cytogenetic location: 15q22.31.
Variant type: single nucleotide variant.
Coding change: c.1297C>T on transcript NM_001101362.3 (MANE Select); coding-DNA position 1297, C replaced by T.
Protein change: p.Pro433Ser; replaces proline 433 with serine.
Molecular consequence: missense variant.
Genome position (GRCh38, 1-based): chr15:65,078,112, C>T. VCF-style: chr15-65078112-C-T. GRCh37 (hg19) VCF-style: chr15-65370450-C-T.
Other names: short protein forms P433S.
Identifiers: ClinVar variation 464344 (VCV000464344.11), dbSNP rs1555407773, ClinGen allele CA392867073.

ClinVar aggregate classification (germline): Uncertain significance. Review status: criteria provided, multiple submitters, no conflicts (2 of 4 stars). 2 submissions from 2 submitters: Uncertain significance (2). Last evaluated 2025-10-02.

Conditions:
Nemaline myopathy 6 (NEM6). Also called: Nemaline myopathy 6, autosomal dominant. Identifiers: Orphanet 171439, MedGen C1836472, MONDO:0012237, OMIM 609273.
Inborn genetic diseases. Identifiers: MedGen C0950123, MeSH D030342.

Allele frequency attached by ClinVar (database versions not stated): gnomAD exomes below 0.00001; TOPMed below 0.00001.

Submissions (2):

Labcorp Genetics (formerly Invitae), Labcorp
Classification: Uncertain significance for Nemaline myopathy 6. Last evaluated: 2025-10-02. Review status: criteria provided, single submitter. Criteria: Invitae Variant Classification Sherloc (09022015). Collection method: clinical testing. Allele origin: germline.
Comment: This sequence change replaces proline, which is neutral and non-polar, with serine, which is neutral and polar, at codon 433 of the KBTBD13 protein (p.Pro433Ser). This variant is not present in population databases (gnomAD no frequency). This variant has not been reported in the literature in individuals affected with KBTBD13-related conditions. ClinVar contains an entry for this variant (Variation ID: 464344). An algorithm developed to predict the effect of missense changes on protein structure and function (PolyPhen-2) suggests that this variant is likely to be tolerated. In summary, the available evidence is currently insufficient to determine the role of this variant in disease. Therefore, it has been classified as a Variant of Uncertain Significance.

Ambry Genetics
Classification: Uncertain significance for Inborn genetic diseases. Last evaluated: 2025-04-13. Review status: criteria provided, single submitter. Criteria: Ambry Variant Classification Scheme 2023. Collection method: clinical testing. Allele origin: germline.